The following is an entry in ClinVar:

ClinVar aggregate classification (germline): Uncertain significance (1 of 4 stars; one submission).

Conditions:
Brachyolmia-amelogenesis imperfecta syndrome. Also called: PLATYSPONDYLY WITH AMELOGENESIS IMPERFECTA; Tooth agenesis, selective, 6; Dental anomalies and short stature. Identifiers: Orphanet 2899, MedGen C1832594, MONDO:0011018, OMIM 601216. Disease mechanism: loss of function.

Allele frequency attached by ClinVar (database versions not stated): gnomAD exomes below 0.00001.
gnomAD v4.1: 2 of 1,575,170 alleles (0.00013%); highest among the groups gnomAD compares: Non-Finnish European, 0.000086%; no homozygotes.

Submission:

Labcorp Genetics (formerly Invitae), Labcorp
Classification: Uncertain significance for Brachyolmia-amelogenesis imperfecta syndrome. Last evaluated: 2025-09-02. Review status: criteria provided, single submitter. Criteria: Invitae Variant Classification Sherloc (09022015). Collection method: clinical testing. Allele origin: germline.
Comment: This sequence change replaces glycine, which is neutral and non-polar, with serine, which is neutral and polar, at codon 1056 of the LTBP3 protein (p.Gly1056Ser). This variant is not present in population databases (gnomAD no frequency). This variant has not been reported in the literature in individuals affected with LTBP3-related conditions. ClinVar contains an entry for this variant (Variation ID: 2906796). An algorithm developed to predict the effect of missense changes on protein structure and function (PolyPhen-2) suggests that this variant is likely to be disruptive. In summary, the available evidence is currently insufficient to determine the role of this variant in disease. Therefore, it has been classified as a Variant of Uncertain Significance.

NM_001130144.3(LTBP3):c.3166G>A (p.Gly1056Ser)

Genes: LTBP3 (latent transforming growth factor beta binding protein 3; minus strand), LOC121832793 (Sharpr-MPRA regulatory region 4001; plus strand). Cytogenetic location: 11q13.1.
Variant type: single nucleotide variant.
Coding change: c.3166G>A on transcript NM_001130144.3 (MANE Select); coding-DNA position 3166, G replaced by A.
Protein change: p.Gly1056Ser; replaces glycine 1056 with serine.
Molecular consequence: missense variant.
Genome position (GRCh38, 1-based): chr11:65,540,323, C>T on the plus strand (G>A on the coding strand, the complement: LTBP3 is on the minus strand). VCF-style: chr11-65540323-C-T. GRCh37 (hg19) VCF-style: chr11-65307794-C-T.
Other names: c.2815G>A, p.Gly939Ser (NM_001164266.1); c.3166G>A, p.Gly1056Ser (NM_021070.4); short protein forms G1056S, G939S.
Identifiers: ClinVar variation 2906796 (VCV002906796.3), dbSNP rs2496122019, ClinGen allele CA381267497.